The following is an entry in ClinVar:

NM_000492.4(CFTR):c.1585-9418T>C

Gene: CFTR (CF transmembrane conductance regulator; plus strand). Cytogenetic location: 7q31.2.
Variant type: single nucleotide variant.
Coding change: c.1585-9418T>C on transcript NM_000492.4 (MANE Select); 9418 bases into the intron before coding-DNA position 1585, T replaced by C.
Molecular consequence: intron variant.
Genome position (GRCh38, 1-based): chr7:117,578,321, T>C. VCF-style: chr7-117578321-T-C. GRCh37 (hg19) VCF-style: chr7-117218375-T-C.
Identifiers: ClinVar variation 3033560 (VCV003033560.2), dbSNP rs1004364997, ClinGen allele CA164942042.
Genomic context (GRCh38, chr7:117,578,321, plus strand): 5'-ACTCAACATGAAAACTATGAGGACGAAGACCTTTATGAAGATTCACCTCCACTTAATGAA[T>C]AGTACATACATTTCTTTTTCCCCATGGTTTTCTTAATAACATTTTCTTTTCTCTAGCTTG-3'

ClinVar aggregate classification (germline): Likely benign (0 of 4 stars; one submission).

Conditions:
CFTR-related disorder (CFTR-RD). Also called: CFTR-related condition; CFTR-related disorders. Identifiers: MedGen C5924204, MONDO:7770004.

Allele frequency attached by ClinVar (database versions not stated): gnomAD 0.00001; TOPMed 0.00001.
gnomAD v4.1: 1 of 152,098 alleles (0.00066%); highest among the groups gnomAD compares: Non-Finnish European, 0.0015%; no homozygotes.

Submission:

PreventionGenetics, part of Exact Sciences
Classification: Likely benign for CFTR-related condition. Last evaluated: 2019-06-20. Review status: no assertion criteria provided. Collection method: clinical testing. Allele origin: germline.
Comment: This variant is classified as likely benign based on ACMG/AMP sequence variant interpretation guidelines (Richards et al. 2015 PMID: 25741868, with internal and published modifications).